The following is an entry in ClinVar:

NM_006218.4(PIK3CA):c.747G>A (p.Lys249=)

Gene: PIK3CA (phosphatidylinositol-4,5-bisphosphate 3-kinase catalytic subunit alpha; plus strand). Cytogenetic location: 3q26.32.
Variant type: single nucleotide variant.
Coding change: c.747G>A on transcript NM_006218.4 (MANE Select); coding-DNA position 747, G replaced by A.
Protein change: p.Lys249=; no amino-acid change (lysine 249 retained).
Molecular consequence: synonymous variant.
Genome position (GRCh38, 1-based): chr3:179,201,474, G>A. VCF-style: chr3-179201474-G-A. GRCh37 (hg19) VCF-style: chr3-178919262-G-A.
Other names: c.747G>A (NM_006218.3).
Identifiers: ClinVar variation 2195555 (VCV002195555.6), dbSNP rs753556876, ClinGen allele CA2710580.

ClinVar aggregate classification (germline): Likely benign. Review status: criteria provided, single submitter (1 of 4 stars). 2 submissions from 2 submitters: Likely benign (1). 1 of the submissions does not count toward it. Last evaluated 2022-12-10.

Conditions:
PIK3CA-related disorder. Also called: PIK3CA-related disorders; PIK3CA- related disease; PIK3CA-related condition.
Cowden syndrome (CS). Also called: Cowden disease; Cowden's disease; Cowden's syndrome. Identifiers: Orphanet 201, MedGen C0018553, MONDO:0016063. Disease mechanism: gain of function.

Allele frequency attached by ClinVar (database versions not stated): gnomAD exomes below 0.00001; ExAC 0.00001.
gnomAD v4.1: 3 of 1,612,350 alleles (0.00019%); highest among the groups gnomAD compares: African/African-American, 0.0027%; no homozygotes.

Submissions (2):

Labcorp Genetics (formerly Invitae), Labcorp
Classification: Likely benign for Cowden syndrome. Last evaluated: 2022-12-10. Review status: criteria provided, single submitter. Criteria: Invitae Variant Classification Sherloc (09022015). Collection method: clinical testing. Allele origin: germline.

PreventionGenetics, part of Exact Sciences
Classification: Likely benign for PIK3CA-related condition. Last evaluated: 2019-07-16. Review status: no assertion criteria provided. Collection method: clinical testing. Allele origin: germline. Not counted in ClinVar's aggregate classification.
Comment: This variant is classified as likely benign based on ACMG/AMP sequence variant interpretation guidelines (Richards et al. 2015 PMID: 25741868, with internal and published modifications).